The following is an entry in ClinVar:

ClinVar aggregate classification (germline): Uncertain significance (1 of 4 stars; one submission).

gnomAD v4.1: 1 of 1,614,100 alleles (0.000062%); highest among the groups gnomAD compares: Non-Finnish European, 0.000085%; no homozygotes.

Submission:

Labcorp Genetics (formerly Invitae), Labcorp
Classification: Uncertain significance. Last evaluated: 2024-07-12. Review status: criteria provided, single submitter. Criteria: Invitae Variant Classification Sherloc (09022015). Collection method: clinical testing. Allele origin: germline.
Comment: This sequence change replaces glycine, which is neutral and non-polar, with arginine, which is basic and polar, at codon 880 of the ERBIN protein (p.Gly880Arg). This variant is present in population databases (rs748463121, gnomAD 0.0009%). This variant has not been reported in the literature in individuals affected with ERBIN-related conditions. An algorithm developed to predict the effect of missense changes on protein structure and function outputs the following: PolyPhen-2: "Benign". The arginine amino acid residue is found in multiple mammalian species, which suggests that this missense change does not adversely affect protein function. In summary, the available evidence is currently insufficient to determine the role of this variant in disease. Therefore, it has been classified as a Variant of Uncertain Significance.

NM_001253697.2(ERBIN):c.2638G>A (p.Gly880Arg)

Gene: ERBIN (erbb2 interacting protein; plus strand). Cytogenetic location: 5q12.3.
Variant type: single nucleotide variant.
Coding change: c.2638G>A on transcript NM_001253697.2 (MANE Select); coding-DNA position 2638, G replaced by A.
Protein change: p.Gly880Arg; replaces glycine 880 with arginine.
Molecular consequence: missense variant.
Genome position (GRCh38, 1-based): chr5:66,053,956, G>A. VCF-style: chr5-66053956-G-A. GRCh37 (hg19) VCF-style: chr5-65349784-G-A.
Other names: c.2638G>A, p.Gly880Arg (NM_001006600.3, NM_001253698.2, NM_001253699.2 and 1 more transcripts); c.2626G>A, p.Gly876Arg (NM_001253701.2); short protein forms G876R, G880R.
Identifiers: ClinVar variation 3692749 (VCV003692749.2).